The following is an entry in ClinVar:

ClinVar aggregate classification (germline): Benign/Likely benign. Review status: criteria provided, multiple submitters, no conflicts (2 of 4 stars). 13 submissions from 10 submitters: Benign (5); Likely benign (7). 1 of the submissions does not count toward it. Last evaluated 2025-12-03.

Conditions:
TTN-related disorder. Also called: TTN-related disorders; TTN-related condition; TTN-related disease.
Dilated cardiomyopathy 1G (CMD1G). Identifiers: Orphanet 154, MedGen C1858763, MONDO:0011400, OMIM 604145.
Autosomal recessive limb-girdle muscular dystrophy type 2J (LGMDR10). Also called: Limb-girdle muscular dystrophy, type 2J; MUSCULAR DYSTROPHY, LIMB-GIRDLE, AUTOSOMAL RECESSIVE 10. Identifiers: Orphanet 140922, MedGen C1837342, MONDO:0012127, OMIM 608807.
Early-onset myopathy with fatal cardiomyopathy (CMYO5). Also called: Salih Myopathy; CONGENITAL MYOPATHY 5 WITH CARDIOMYOPATHY. Identifiers: Orphanet 289377, MedGen C2673677, MONDO:0012714, OMIM 611705. Disease mechanism: loss of function.
Hypertrophic cardiomyopathy 9. Also called: Familial hypertrophic cardiomyopathy 9. Identifiers: MedGen C1861065, MONDO:0013412, OMIM 613765.
Tibial muscular dystrophy (TMD). Also called: UDD MYOPATHY; Tibial muscular dystrophy, tardive; Udd Distal Myopathy – Tibial Muscular Dystrophy. Identifiers: Orphanet 609, MedGen C1838244, MONDO:0010870, OMIM 600334.
Myopathy, myofibrillar, 9, with early respiratory failure (MFM9). Also called: EDSTROM MYOPATHY; MYOPATHY, PROXIMAL, WITH EARLY RESPIRATORY MUSCLE INVOLVEMENT; Hereditary myopathy with early respiratory failure; Myopathy, distal, with early respiratory failure, autosomal dominant. Identifiers: Orphanet 178464, Orphanet 34521, MedGen C1863599, MONDO:0011362, OMIM 603689.

Allele frequency attached by ClinVar (database versions not stated): TOPMed 0.00005; 1000 Genomes Project 30x 0.00016.
gnomAD v4.1: 345 of 1,531,886 alleles (0.023%); highest among the groups gnomAD compares: South Asian, 0.37%; 2 homozygotes.

Submissions (13):

Labcorp Genetics (formerly Invitae), Labcorp
Classification: Benign for Dilated cardiomyopathy 1G; Autosomal recessive limb-girdle muscular dystrophy type 2J. Last evaluated: 2025-12-03. Review status: criteria provided, single submitter. Criteria: Invitae Variant Classification Sherloc (09022015). Collection method: clinical testing. Allele origin: germline.

CeGaT Center for Human Genetics Tuebingen
Classification: Likely benign. Last evaluated: 2025-11-01. Review status: criteria provided, single submitter. Criteria: CeGaT Center For Human Genetics Tuebingen Variant Classification Criteria Version 2. Collection method: clinical testing. Allele origin: germline. Affected: yes. Observed: 1 variant allele.
Comment: TTN: BP4

Blueprint Genetics
Classification: Likely benign. Last evaluated: 2024-07-11. Review status: criteria provided, single submitter. Criteria: ACMG Guidelines, 2015. Collection method: clinical testing. Allele origin: germline.

Fulgent Genetics
Classification: Likely benign for Tibial muscular dystrophy; Myopathy, myofibrillar, 9, with early respiratory failure; Dilated cardiomyopathy 1G; Autosomal recessive limb-girdle muscular dystrophy type 2J; Early-onset myopathy with fatal cardiomyopathy; Hypertrophic cardiomyopathy 9. Last evaluated: 2021-11-09. Review status: criteria provided, single submitter. Criteria: ACMG Guidelines, 2015. Collection method: clinical testing. Allele origin: unknown.

Genome-Nilou Lab
Classification: Benign for Autosomal recessive limb-girdle muscular dystrophy type 2J. Last evaluated: 2021-09-10. Review status: criteria provided, single submitter. Criteria: ACMG Guidelines, 2015. Collection method: clinical testing. Allele origin: germline. Affected: no.

Genome-Nilou Lab
Classification: Benign for Myopathy, myofibrillar, 9, with early respiratory failure. Last evaluated: 2021-09-10. Review status: criteria provided, single submitter. Criteria: ACMG Guidelines, 2015. Collection method: clinical testing. Allele origin: germline. Affected: no.

Genome-Nilou Lab
Classification: Benign for Early-onset myopathy with fatal cardiomyopathy. Last evaluated: 2021-09-10. Review status: criteria provided, single submitter. Criteria: ACMG Guidelines, 2015. Collection method: clinical testing. Allele origin: germline. Affected: no.

Genome-Nilou Lab
Classification: Benign for Tibial muscular dystrophy. Last evaluated: 2021-09-10. Review status: criteria provided, single submitter. Criteria: ACMG Guidelines, 2015. Collection method: clinical testing. Allele origin: germline. Affected: no.

Dubai Health Genomic Medicine Center, Dubai Health
Classification: Likely benign. Last evaluated: 2020-03-19. Review status: criteria provided, single submitter. Criteria: ACMG Guidelines, 2015. Collection method: clinical testing. Allele origin: germline. Affected: yes.

Centre for Mendelian Genomics, University Medical Centre Ljubljana
Classification: Likely benign. Last evaluated: 2019-02-22. Review status: criteria provided, single submitter. Criteria: ACMG Guidelines, 2015. Collection method: clinical testing. Allele origin: unknown. Affected: yes.
Comment: This variant was classified as: Likely benign. The following ACMG criteria were applied in classifying this variant: BP4,BP6.

GeneDx
Classification: Likely benign. Last evaluated: 2017-06-19. Review status: criteria provided, single submitter. Criteria: GeneDx Variant Classification (06012015). Collection method: clinical testing. Allele origin: germline. Affected: yes.
Comment: This variant is considered likely benign or benign based on one or more of the following criteria: it is a conservative change, it occurs at a poorly conserved position in the protein, it is predicted to be benign by multiple in silico algorithms, and/or has population frequency not consistent with disease.

Eurofins Ntd Llc (ga)
Classification: Likely benign. Last evaluated: 2016-09-30. Review status: criteria provided, single submitter. Criteria: EGL Classification Definitions 2015. Collection method: clinical testing. Allele origin: germline. Observed: 1 variant allele, 1 heterozygote.

PreventionGenetics, part of Exact Sciences
Classification: Likely benign for TTN-related condition. Last evaluated: 2019-04-08. Review status: no assertion criteria provided. Collection method: clinical testing. Allele origin: germline. Not counted in ClinVar's aggregate classification.
Comment: This variant is classified as likely benign based on ACMG/AMP sequence variant interpretation guidelines (Richards et al. 2015 PMID: 25741868, with internal and published modifications).

NM_001267550.2(TTN):c.34708+8C>A

Gene: TTN (titin; minus strand). Cytogenetic location: 2q31.2.
Variant type: single nucleotide variant.
Coding change: c.34708+8C>A on transcript NM_001267550.2 (MANE Select); 8 bases into the intron after coding-DNA position 34708, C replaced by A.
Molecular consequence: intron variant.
Genome position (GRCh38, 1-based): chr2:178,674,306, G>T on the plus strand (C>A on the coding strand, the complement: TTN is on the minus strand). VCF-style: chr2-178674306-G-T. GRCh37 (hg19) VCF-style: chr2-179539033-G-T.
Other names: c.13283-31989C>A (NM_003319.4); c.13859-31989C>A (NM_133437.4); c.13658-31989C>A (NM_133432.3); c.30805+8C>A (NM_133378.4); c.33586+8C>A (NM_001256850.1).
Identifiers: ClinVar variation 238749 (VCV000238749.32), dbSNP rs762808097, ClinGen allele CA1998005.
Genomic context (GRCh38, chr2:178,674,306, plus strand): 5'-ATTTAGCTACTGAGAAAGATTTGGAACACCAGGAATTTTAAATGTTCAATCCTTAAAAGC[G>T]GTTATACCTCTAGGTGGTGCCACCTCTTCAACTTCCTCTATGCTAGGTGGTTCTTCTGGG-3'